The following is an entry in ClinVar:

ClinVar aggregate classification (germline): Likely benign (1 of 4 stars; one submission).

Allele frequency attached by ClinVar (database versions not stated): TOPMed 0.00005; ExAC 0.00007; gnomAD 0.00008; gnomAD exomes 0.00008; ESP Exome Variant Server 0.00009.

Submission:

CeGaT Center for Human Genetics Tuebingen
Classification: Likely benign. Last evaluated: 2023-02-01. Review status: criteria provided, single submitter. Criteria: CeGaT Center For Human Genetics Tuebingen Variant Classification Criteria Version 2. Collection method: clinical testing. Allele origin: germline. Affected: yes. Observed: 1 variant allele.
Comment: BCOR: BP4, BS2

NM_001123385.2(BCOR):c.2609C>G (p.Thr870Ser)

Gene: BCOR (BCL6 corepressor; minus strand). Cytogenetic location: Xp11.4.
Variant type: single nucleotide variant.
Coding change: c.2609C>G on transcript NM_001123385.2 (MANE Select); coding-DNA position 2609, C replaced by G.
Protein change: p.Thr870Ser; replaces threonine 870 with serine.
Molecular consequence: missense variant.
Genome position (GRCh38, 1-based): chrX:40,072,737, G>C on the plus strand (C>G on the coding strand, the complement: BCOR is on the minus strand). VCF-style: chrX-40072737-G-C. GRCh37 (hg19) VCF-style: chrX-39931990-G-C.
Other names: c.2609C>G, p.Thr870Ser (NM_001123383.2, NM_001123384.2, NM_017745.6); short protein forms T870S.
Identifiers: ClinVar variation 2660312 (VCV002660312.24), dbSNP rs371981551, ClinGen allele CA10386763.